The following is an entry in ClinVar:

ClinVar aggregate classification (germline): Uncertain significance. Review status: criteria provided, single submitter (1 of 4 stars). 2 submissions from 2 submitters: Uncertain significance (1). 1 of the submissions does not count toward it. Last evaluated 2024-12-11.

Conditions:
NCOA1-related disorder. Also called: NCOA1-related condition.

Allele frequency attached by ClinVar (database versions not stated): TOPMed 0.00002; gnomAD 0.00003; gnomAD exomes 0.00003; ExAC 0.00006.
gnomAD v4.1: 49 of 1,614,064 alleles (0.003%); highest among the groups gnomAD compares: South Asian, 0.0099%; 1 homozygote.

Submissions (2):

Ambry Genetics
Classification: Uncertain significance. Last evaluated: 2024-12-11. Review status: criteria provided, single submitter. Criteria: Ambry Variant Classification Scheme 2023. Collection method: clinical testing. Allele origin: germline.

PreventionGenetics, part of Exact Sciences
Classification: Uncertain significance for NCOA1-related condition. Last evaluated: 2024-08-08. Review status: no assertion criteria provided. Collection method: clinical testing. Allele origin: germline. Not counted in ClinVar's aggregate classification.
Comment: The NCOA1 c.1402T>G variant is predicted to result in the amino acid substitution p.Ser468Ala. To our knowledge, this variant has not been reported in the literature. This variant is reported in 0.020% of alleles in individuals of South Asian descent in gnomAD. At this time, the clinical significance of this variant is uncertain due to the absence of conclusive functional and genetic evidence.

NM_003743.5(NCOA1):c.1402T>G (p.Ser468Ala)

Gene: NCOA1 (nuclear receptor coactivator 1; plus strand). Cytogenetic location: 2p23.3.
Variant type: single nucleotide variant.
Coding change: c.1402T>G on transcript NM_003743.5 (MANE Select); coding-DNA position 1402, T replaced by G.
Protein change: p.Ser468Ala; replaces serine 468 with alanine.
Molecular consequence: missense variant.
Genome position (GRCh38, 1-based): chr2:24,706,872, T>G. VCF-style: chr2-24706872-T-G. GRCh37 (hg19) VCF-style: chr2-24929741-T-G.
Other names: c.1402T>G, p.Ser468Ala (NM_001362950.1, NM_001362952.1, NM_001362954.1 and 3 more transcripts); short protein forms S468A.
Identifiers: ClinVar variation 2634971 (VCV002634971.3), dbSNP rs750496021, ClinGen allele CA1552246.